The following is an entry in ClinVar:

NM_000255.4(MMUT):c.1292T>C (p.Met431Thr)

Gene: MMUT (methylmalonyl-CoA mutase; minus strand). Cytogenetic location: 6p12.3.
Variant type: single nucleotide variant.
Coding change: c.1292T>C on transcript NM_000255.4 (MANE Select); coding-DNA position 1292, T replaced by C.
Protein change: p.Met431Thr; replaces methionine 431 with threonine.
Molecular consequence: missense variant.
Genome position (GRCh38, 1-based): chr6:49,451,506, A>G on the plus strand (T>C on the coding strand, the complement: MMUT is on the minus strand). VCF-style: chr6-49451506-A-G. GRCh37 (hg19) VCF-style: chr6-49419219-A-G.
Other names: short protein forms M431T.
Identifiers: ClinVar variation 3178117 (VCV003178117.3), dbSNP rs894363379, ClinGen allele CA138796325.

ClinVar aggregate classification (germline): Uncertain significance. Review status: criteria provided, multiple submitters, no conflicts (2 of 4 stars). 2 submissions from 2 submitters: Uncertain significance (2). Last evaluated 2024-12-12.

Allele frequency attached by ClinVar (database versions not stated): gnomAD 0.00001; TOPMed 0.00001.
gnomAD v4.1: 2 of 1,614,028 alleles (0.00012%); highest among the groups gnomAD compares: African/African-American, 0.0013%; no homozygotes.

Submissions (2):

Labcorp Genetics (formerly Invitae), Labcorp
Classification: Uncertain significance. Last evaluated: 2024-12-12. Review status: criteria provided, single submitter. Criteria: Invitae Variant Classification Sherloc (09022015). Collection method: clinical testing. Allele origin: germline.
Comment: This sequence change replaces methionine, which is neutral and non-polar, with threonine, which is neutral and polar, at codon 431 of the MUT protein (p.Met431Thr). This variant is not present in population databases (gnomAD no frequency). This missense change has been observed in individual(s) with methylmalonic acidemia (internal data). ClinVar contains an entry for this variant (Variation ID: 3178117). Invitae Evidence Modeling of protein sequence and biophysical properties (such as structural, functional, and spatial information, amino acid conservation, physicochemical variation, residue mobility, and thermodynamic stability) indicates that this missense variant is expected to disrupt MUT protein function with a positive predictive value of 95%. In summary, the available evidence is currently insufficient to determine the role of this variant in disease. Therefore, it has been classified as a Variant of Uncertain Significance.

Ambry Genetics
Classification: Uncertain significance. Last evaluated: 2023-09-22. Review status: criteria provided, single submitter. Criteria: Ambry Variant Classification Scheme 2023. Collection method: clinical testing. Allele origin: germline.